The following is an entry in ClinVar:

NM_000550.3(TYRP1):c.1538C>G (p.Pro513Arg)

Genes: LURAP1L-AS1 (LURAP1L antisense RNA 1; minus strand), TYRP1 (tyrosinase related protein 1; plus strand). Cytogenetic location: 9p23.
Variant type: single nucleotide variant.
Coding change: c.1538C>G on transcript NM_000550.3 (MANE Select); coding-DNA position 1538, C replaced by G.
Protein change: p.Pro513Arg; replaces proline 513 with arginine.
Molecular consequence: missense variant.
Genome position (GRCh38, 1-based): chr9:12,709,106, C>G. VCF-style: chr9-12709106-C-G. GRCh37 (hg19) VCF-style: chr9-12709106-C-G.
Other names: c.1538C>G (NM_000550.2); short protein forms P513R.
Identifiers: ClinVar variation 1427565 (VCV001427565.4), dbSNP rs532941663, ClinGen allele CA4985614.
Genomic context (GRCh38, chr9:12,709,106, plus strand): 5'-TTTTTGGGACTGCTTCTTATCTGATTCGTGCCAGACGCAGTATGGATGAAGCTAACCAGC[C>G]TCTCCTCACTGATCAGTATCAATGCTATGCTGAAGAATATGAAAAACTCCAGAATCCTAA-3'
Protein context (NP_000541.1, residues 503-523): ARRSMDEANQ[Pro513Arg]LLTDQYQCYA

ClinVar aggregate classification (germline): Uncertain significance. Review status: criteria provided, multiple submitters, no conflicts (2 of 4 stars). 3 submissions from 3 submitters: Uncertain significance (3). Last evaluated 2024-08-16.

Allele frequency attached by ClinVar (database versions not stated): TOPMed 0.00003; gnomAD 0.00004 and 0.00009; gnomAD exomes 0.00015 and 0.00026; 1000 Genomes Project 30x 0.00031; ExAC 0.00033; 1000 Genomes Project 0.00040.
gnomAD v4.1: 236 of 1,612,798 alleles (0.015%); highest among the groups gnomAD compares: South Asian, 0.16%; 1 homozygote.

Submissions (3):

Blueprint Genetics
Classification: Uncertain significance. Last evaluated: 2024-08-16. Review status: criteria provided, single submitter. Criteria: ACMG Guidelines, 2015. Collection method: clinical testing. Allele origin: germline.

Women's Health and Genetics/Laboratory Corporation of America, LabCorp
Classification: Uncertain significance. Last evaluated: 2023-08-24. Review status: criteria provided, single submitter. Criteria: LabCorp Variant Classification Summary - May 2015. Collection method: clinical testing. Allele origin: germline.
Comment: Variant summary: TYRP1 c.1538C>G (p.Pro513Arg) results in a non-conservative amino acid change in the encoded protein sequence. Five of five in-silico tools predict a damaging effect of the variant on protein function. The variant allele was found at a frequency of 0.00026 in 250694 control chromosomes, predominantly at a frequency of 0.0018 within the South Asian subpopulation in the gnomAD database. c.1538C>G has been reported in the literature in the heterozygous state in an individual affected with Waardenburg syndrome (WS) with ocular albinism (Chiang_2009). In this case, the diagnosis of WS was attributed to a MITF variant that was also found in other WS-affected family members, and the authors suggested the presence of the TYRP1 variant, not present in other affected relatives, may account for the ocular albinism in the proband. This report does not provide unequivocal conclusions about association of the variant with Oculocutaneous albinism type 3. To our knowledge, no experimental evidence demonstrating an impact on protein function has been reported. The following publication has been ascertained in the context of this evaluation (PMID: 19938076). One submitter has provided a clinical-significance assessment for this variant to ClinVar after 2014 and has classified the variant as uncertain significance. Based on the evidence outlined above, the variant was classified as uncertain significance.

Labcorp Genetics (formerly Invitae), Labcorp
Classification: Uncertain significance. Last evaluated: 2022-08-02. Review status: criteria provided, single submitter. Criteria: Invitae Variant Classification Sherloc (09022015). Collection method: clinical testing. Allele origin: germline.
Comment: This sequence change replaces proline, which is neutral and non-polar, with arginine, which is basic and polar, at codon 513 of the TYRP1 protein (p.Pro513Arg). This variant is present in population databases (rs532941663, gnomAD 0.2%). This variant has not been reported in the literature in individuals affected with TYRP1-related conditions. ClinVar contains an entry for this variant (Variation ID: 1427565). Algorithms developed to predict the effect of missense changes on protein structure and function are either unavailable or do not agree on the potential impact of this missense change (SIFT: "Deleterious"; PolyPhen-2: "Probably Damaging"; Align-GVGD: "Class C0"). In summary, the available evidence is currently insufficient to determine the role of this variant in disease. Therefore, it has been classified as a Variant of Uncertain Significance.

Literature cited by the submitters: PubMed 19938076 (cited by Women's Health and Genetics/Laboratory Corporation of America, LabCorp).